The following is an entry in ClinVar:

ClinVar aggregate classification (germline): Pathogenic (1 of 4 stars; one submission).

Conditions:
Hereditary spastic paraplegia 4. Also called: Spastic paraplegia 4, autosomal dominant; Spastic Paraplegia 4; Familial spastic paraplegia autosomal dominant 2. Identifiers: Orphanet 100985, MedGen C1866855, MONDO:0008438, OMIM 182601.

Submission:

Labcorp Genetics (formerly Invitae), Labcorp
Classification: Pathogenic for Hereditary spastic paraplegia 4. Last evaluated: 2022-10-07. Review status: criteria provided, single submitter. Criteria: Invitae Variant Classification Sherloc (09022015). Collection method: clinical testing. Allele origin: germline.
Comment: This variant is a gross deletion of the genomic region encompassing exon(s) 5 of the SPAST gene. This deletion is out-of-frame, and is expected to create a premature termination codon and result in an absent or disrupted protein product. Loss-of-function variants in SPAST are known to be pathogenic (PMID: 20932283). A similar copy number variant has been observed in individual(s) with spastic paraplegia (PMID: 17594340, 25065914). For these reasons, this variant has been classified as Pathogenic.

Literature cited by the submitters: PubMed 20932283; PubMed 17594340; PubMed 25065914.

NC_000002.11:g.(?_32339687)_(32339914_?)del

Gene: SPAST (spastin; plus strand). Cytogenetic location: 2p22.3.
Variant type: Deletion.
Identifiers: ClinVar variation 2426015 (VCV002426015.3).